The following is an entry in ClinVar:

ClinVar aggregate classification (germline): Conflicting classifications of pathogenicity. Review status: criteria provided, conflicting classifications (1 of 4 stars). 3 submissions from 3 submitters: Likely pathogenic (2); Uncertain significance (1). Last evaluated 2021-07-12.

Conditions:
Brugada syndrome 9 (BRGDA9). Identifiers: Orphanet 130, MedGen C4225340, MONDO:0014621, OMIM 616399.
Spinocerebellar ataxia type 19/22 (SCA19). Also called: SPINOCEREBELLAR ATAXIA 22; SPINOCEREBELLAR ATAXIA 19. Identifiers: Orphanet 98772, MedGen C1846367, MONDO:0011819, OMIM 607346.
Cardiovascular phenotype. Identifiers: MedGen CN230736.

Submissions (3):

Molecular Medicine for Neurodegenerative and Neuromuscular Diseases Unit, IRCCS Fondazione Stella Maris
Classification: Likely pathogenic for Spinocerebellar ataxia type 19/22. Last evaluated: 2021-07-12. Review status: criteria provided, single submitter. Criteria: ACMG Guidelines, 2015. Collection method: research. Allele origin: de novo. Affected: yes.

Ambry Genetics
Classification: Uncertain significance for Cardiovascular phenotype. Last evaluated: 2021-02-10. Review status: criteria provided, single submitter. Criteria: Ambry Variant Classification Scheme 2023. Collection method: clinical testing. Allele origin: germline.
Comment: The p.T204M variant (also known as c.611C>T), located in coding exon 1 of the KCND3 gene, results from a C to T substitution at nucleotide position 611. The threonine at codon 204 is replaced by methionine, an amino acid with similar properties. This amino acid position is highly conserved in available vertebrate species. In addition, this alteration is predicted to be deleterious by in silico analysis. Since supporting evidence is limited at this time, the clinical significance of this alteration remains unclear.

Juno Genomics, Hangzhou Juno Genomics, Inc
Classification: Likely pathogenic for Brugada syndrome 9; Spinocerebellar ataxia type 19/22. Review status: criteria provided, single submitter. Criteria: ACMG Guidelines, 2015. Collection method: clinical testing. Allele origin: germline. Affected: yes.
Comment: Absent from controls (or at extremely low frequency if recessive) in Genome Aggregation Database.;Multiple lines of computational evidence support a deleterious effect on the gene or gene product.;Missense variant in a gene that has a low rate of benign missense variation.

NM_001378969.1(KCND3):c.611C>T (p.Thr204Met)

Gene: KCND3 (potassium voltage-gated channel subfamily D member 3; minus strand). Cytogenetic location: 1p13.2.
Variant type: single nucleotide variant.
Coding change: c.611C>T on transcript NM_001378969.1 (MANE Select); coding-DNA position 611, C replaced by T.
Protein change: p.Thr204Met; replaces threonine 204 with methionine.
Molecular consequence: missense variant.
Genome position (GRCh38, 1-based): chr1:111,982,116, G>A on the plus strand (C>T on the coding strand, the complement: KCND3 is on the minus strand). VCF-style: chr1-111982116-G-A. GRCh37 (hg19) VCF-style: chr1-112524738-G-A.
Other names: c.611C>T, p.Thr204Met (NM_001378970.1, NM_004980.5, NM_172198.3); short protein forms T204M.
Identifiers: ClinVar variation 1027415 (VCV001027415.4), dbSNP rs2101997230, ClinGen allele CA341821746.